The following is an entry in ClinVar:

NM_000143.4(FH):c.16C>T (p.Arg6Trp)

Gene: FH (fumarate hydratase; minus strand). Cytogenetic location: 1q43.
Variant type: single nucleotide variant.
Coding change: c.16C>T on transcript NM_000143.4 (MANE Select); coding-DNA position 16, C replaced by T.
Protein change: p.Arg6Trp; replaces arginine 6 with tryptophan.
Molecular consequence: missense variant.
Genome position (GRCh38, 1-based): chr1:241,519,707, G>A on the plus strand (C>T on the coding strand, the complement: FH is on the minus strand). VCF-style: chr1-241519707-G-A. GRCh37 (hg19) VCF-style: chr1-241683007-G-A.
Other names: short protein forms R6W.
Identifiers: ClinVar variation 1464026 (VCV001464026.8), dbSNP rs1660324018, ClinGen allele CA345443081.

ClinVar aggregate classification (germline): Conflicting classifications of pathogenicity. Review status: criteria provided, conflicting classifications (1 of 4 stars). 3 submissions from 3 submitters: Uncertain significance (2); Likely benign (1). Last evaluated 2026-01-26.

Conditions:
FH-related disorder. Also called: FH-related condition; FH-related disorders.
Hereditary cancer-predisposing syndrome. Also called: Neoplastic Syndromes, Hereditary; Tumor predisposition; Hereditary neoplastic syndrome; Hereditary Cancer Syndrome. Identifiers: Orphanet 140162, MedGen C0027672, MeSH D009386, MONDO:0015356.

Allele frequency attached by ClinVar (database versions not stated): gnomAD exomes below 0.00001.
gnomAD v4.1: 2 of 1,546,894 alleles (0.00013%); highest among the groups gnomAD compares: South Asian, 0.0024%; no homozygotes.

Submissions (3):

Labcorp Genetics (formerly Invitae), Labcorp
Classification: Uncertain significance. Last evaluated: 2026-01-26. Review status: criteria provided, single submitter. Criteria: Invitae Variant Classification Sherloc (09022015). Collection method: clinical testing. Allele origin: germline.
Comment: This sequence change replaces arginine, which is basic and polar, with tryptophan, which is neutral and slightly polar, at codon 6 of the FH protein (p.Arg6Trp). This variant is not present in population databases (gnomAD no frequency). This variant has not been reported in the literature in individuals affected with FH-related conditions. ClinVar contains an entry for this variant (Variation ID: 1464026). Invitae Evidence Modeling of protein sequence and biophysical properties (such as structural, functional, and spatial information, amino acid conservation, physicochemical variation, residue mobility, and thermodynamic stability) indicates that this missense variant is not expected to disrupt FH protein function with a negative predictive value of 95%. In summary, the available evidence is currently insufficient to determine the role of this variant in disease. Therefore, it has been classified as a Variant of Uncertain Significance.

PreventionGenetics, part of Exact Sciences
Classification: Uncertain significance for FH-related condition. Last evaluated: 2025-04-11. Review status: criteria provided, single submitter. Criteria: ACMG Guidelines, 2015. Collection method: clinical testing. Allele origin: germline.
Comment: The FH c.16C>T variant is predicted to result in the amino acid substitution p.Arg6Trp. To our knowledge, this variant has not been reported in the literature or in a large population database (gnomAD), indicating this variant is rare. This variant has interpretations of likely benign and uncertain significance in ClinVar. At this time, the clinical significance of this variant is uncertain due to the absence of conclusive functional and genetic evidence.

Ambry Genetics
Classification: Likely benign for Hereditary cancer-predisposing syndrome. Last evaluated: 2022-04-26. Review status: criteria provided, single submitter. Criteria: Ambry Variant Classification Scheme 2023. Collection method: clinical testing. Allele origin: germline.